The following is an entry in ClinVar:

NM_002386.4(MC1R):c.717C>T (p.Gly239=)

Gene: MC1R (melanocortin 1 receptor; plus strand). Cytogenetic location: 16q24.3.
Variant type: single nucleotide variant.
Coding change: c.717C>T on transcript NM_002386.4 (MANE Select); coding-DNA position 717, C replaced by T.
Protein change: p.Gly239=; no amino-acid change (glycine 239 retained).
Molecular consequence: synonymous variant.
Genome position (GRCh38, 1-based): chr16:89,919,975, C>T. VCF-style: chr16-89919975-C-T. GRCh37 (hg19) VCF-style: chr16-89986383-C-T.
Identifiers: ClinVar variation 321438 (VCV000321438.15), dbSNP rs34490506, ClinGen allele CA8255720.
Genomic context (GRCh38, chr16:89,919,975, plus strand): 5'-GGGCATCGCCCGGCTCCACAAGAGGCAGCGCCCGGTCCACCAGGGCTTTGGCCTTAAAGG[C>T]GCTGTCACCCTCACCATCCTGCTGGGCATTTTCTTCCTCTGCTGGGGCCCCTTCTTCCTG-3'
Protein context (NP_002377.4, residues 229-249): RPVHQGFGLK[Gly239=]AVTLTILLGI

ClinVar aggregate classification (germline): Likely benign. Review status: criteria provided, multiple submitters, no conflicts (2 of 4 stars). 3 submissions from 3 submitters: Likely benign (3). Last evaluated 2025-08-26.

Conditions:
Melanoma, cutaneous malignant, susceptibility to, 5. Also called: Cutaneous malignant melanoma 5. Identifiers: Orphanet 618, MedGen C2751295, MONDO:0013133, OMIM 613099.

Allele frequency attached by ClinVar (database versions not stated): ExAC 0.00011; gnomAD 0.00012 and 0.00014; TOPMed 0.00012; 1000 Genomes Project 30x 0.00016; ESP Exome Variant Server 0.00016; 1000 Genomes Project 0.00020.
gnomAD v4.1: 471 of 1,613,028 alleles (0.029%); highest among the groups gnomAD compares: Middle Eastern, 0.049%; no homozygotes.

Submissions (3):

Labcorp Genetics (formerly Invitae), Labcorp
Classification: Likely benign for Melanoma, cutaneous malignant, susceptibility to, 5. Last evaluated: 2025-08-26. Review status: criteria provided, single submitter. Criteria: Invitae Variant Classification Sherloc (09022015). Collection method: clinical testing. Allele origin: germline.

ARUP Laboratories, Molecular Genetics and Genomics, ARUP Laboratories
Classification: Likely benign. Last evaluated: 2023-08-17. Review status: criteria provided, single submitter. Criteria: ARUP Molecular Germline Variant Investigation Process 2024. Collection method: clinical testing. Allele origin: germline.

Illumina Laboratory Services, Illumina
Classification: Likely benign for Melanoma, cutaneous malignant, susceptibility to, 5. Last evaluated: 2017-04-27. Review status: criteria provided, single submitter. Criteria: ICSL Variant Classification Criteria 13 December 2019. Collection method: clinical testing. Allele origin: germline.
Comment: This variant was observed as part of a predisposition screen in an ostensibly healthy population. A literature search was performed for the gene, cDNA change, and amino acid change (where applicable). Publications were found based on this search. The evidence from the literature, in combination with allele frequency data from public databases where available, was sufficient to determine this variant is unlikely to cause disease. Therefore, this variant is classified as likely benign.

Literature cited by the submitters: PubMed 18803811 (cited by Illumina Laboratory Services, Illumina).